The following is an entry in ClinVar:

NM_004204.5(PIGQ):c.690-3C>A

Gene: PIGQ (phosphatidylinositol glycan anchor biosynthesis class Q; plus strand). Cytogenetic location: 16p13.3.
Variant type: single nucleotide variant.
Coding change: c.690-3C>A on transcript NM_004204.5 (MANE Select); 3 bases into the intron before coding-DNA position 690, C replaced by A.
Molecular consequence: intron variant.
Genome position (GRCh38, 1-based): chr16:575,836, C>A. VCF-style: chr16-575836-C-A. GRCh37 (hg19) VCF-style: chr16-625836-C-A.
Other names: c.690-3C>A (NM_148920.4).
Identifiers: ClinVar variation 1499753 (VCV001499753.5), dbSNP rs370348620, ClinGen allele CA620306804.

ClinVar aggregate classification (germline): Uncertain significance. Review status: criteria provided, multiple submitters, no conflicts (2 of 4 stars). 2 submissions from 2 submitters: Uncertain significance (2). Last evaluated 2023-08-22.

Conditions:
Epilepsy. Also called: Seizure disorder. Identifiers: MedGen C0014544, MeSH D004827, MONDO:0005027.

gnomAD v4.1: 29 of 1,561,146 alleles (0.0019%); highest among the groups gnomAD compares: Non-Finnish European, 0.0023%; no homozygotes.

Submissions (2):

Blueprint Genetics
Classification: Uncertain significance. Last evaluated: 2023-08-22. Review status: criteria provided, single submitter. Criteria: ACMG Guidelines, 2015. Collection method: clinical testing. Allele origin: germline.

Labcorp Genetics (formerly Invitae), Labcorp
Classification: Uncertain significance for Epilepsy. Last evaluated: 2020-11-21. Review status: criteria provided, single submitter. Criteria: Invitae Variant Classification Sherloc (09022015). Collection method: clinical testing. Allele origin: germline.
Comment: In summary, the available evidence is currently insufficient to determine the role of this variant in disease. Therefore, it has been classified as a Variant of Uncertain Significance. Nucleotide substitutions within the consensus splice site are a relatively common cause of aberrant splicing (PMID: 17576681, 9536098). Algorithms developed to predict the effect of sequence changes on RNA splicing suggest that this variant may disrupt the consensus splice site, but this prediction has not been confirmed by published transcriptional studies. This variant has not been reported in the literature in individuals with PIGQ-related conditions. This variant is not present in population databases (ExAC no frequency). This sequence change falls in intron 2 of the PIGQ gene. It does not directly change the encoded amino acid sequence of the PIGQ protein. It affects a nucleotide within the consensus splice site of the intron.

Literature cited by the submitters: PubMed 17576681 (cited by Labcorp Genetics (formerly Invitae), Labcorp); PubMed 9536098 (cited by Labcorp Genetics (formerly Invitae), Labcorp).